The following is an entry in ClinVar:

NM_001142966.3(GREB1L):c.3641C>T (p.Pro1214Leu)

Gene: GREB1L (GREB1 like retinoic acid receptor coactivator; plus strand). Cytogenetic location: 18q11.1.
Variant type: single nucleotide variant.
Coding change: c.3641C>T on transcript NM_001142966.3 (MANE Select); coding-DNA position 3641, C replaced by T.
Protein change: p.Pro1214Leu; replaces proline 1214 with leucine.
Molecular consequence: missense variant.
Genome position (GRCh38, 1-based): chr18:21,499,978, C>T. VCF-style: chr18-21499978-C-T. GRCh37 (hg19) VCF-style: chr18-19079939-C-T.
Other names: c.3770C>T, p.Pro1257Leu (NM_001410867.1); c.3314C>T, p.Pro1105Leu (NM_001410868.1); short protein forms P1214L, P1257L, P1105L.
Identifiers: ClinVar variation 3681646 (VCV003681646.2).

ClinVar aggregate classification (germline): Uncertain significance (1 of 4 stars; one submission).

gnomAD v4.1: 28 of 1,551,468 alleles (0.0018%); highest among the groups gnomAD compares: Middle Eastern, 0.033%; no homozygotes.

Submission:

Labcorp Genetics (formerly Invitae), Labcorp
Classification: Uncertain significance. Last evaluated: 2024-01-28. Review status: criteria provided, single submitter. Criteria: Invitae Variant Classification Sherloc (09022015). Collection method: clinical testing. Allele origin: germline.
Comment: This sequence change replaces proline, which is neutral and non-polar, with leucine, which is neutral and non-polar, at codon 1214 of the GREB1L protein (p.Pro1214Leu). This variant is present in population databases (rs576675143, gnomAD 0.009%). This variant has not been reported in the literature in individuals affected with GREB1L-related conditions. An algorithm developed to predict the effect of missense changes on protein structure and function (PolyPhen-2) suggests that this variant is likely to be tolerated. In summary, the available evidence is currently insufficient to determine the role of this variant in disease. Therefore, it has been classified as a Variant of Uncertain Significance.